The following is an entry in ClinVar:

ClinVar aggregate classification (germline): Uncertain significance (1 of 4 stars; one submission).

Submission:

Ambry Genetics
Classification: Uncertain significance. Last evaluated: 2024-04-09. Review status: criteria provided, single submitter. Criteria: Ambry Variant Classification Scheme 2023. Collection method: clinical testing. Allele origin: germline.
Comment: The p.S710T variant (also known as c.2128T>A), located in coding exon 21 of the KIF1B gene, results from a T to A substitution at nucleotide position 2128. The serine at codon 710 is replaced by threonine, an amino acid with similar properties. This amino acid position is conserved. In addition, this alteration is predicted to be tolerated by in silico analysis. Based on the available evidence, the clinical significance of this variant remains unclear.

NM_001365951.3(KIF1B):c.2266T>A (p.Ser756Thr)

Gene: KIF1B (kinesin family member 1B; plus strand). Cytogenetic location: 1p36.22.
Variant type: single nucleotide variant.
Coding change: c.2266T>A on transcript NM_001365951.3 (MANE Select); coding-DNA position 2266, T replaced by A.
Protein change: p.Ser756Thr; replaces serine 756 with threonine.
Molecular consequence: missense variant.
Genome position (GRCh38, 1-based): chr1:10,321,765, T>A. VCF-style: chr1-10321765-T-A. GRCh37 (hg19) VCF-style: chr1-10381823-T-A.
Other names: c.2266T>A, p.Ser756Thr (NM_001365952.1); c.2128T>A, p.Ser710Thr (NM_015074.3); short protein forms S710T, S756T.
Identifiers: ClinVar variation 3288416 (VCV003288416.1).
Genomic context (GRCh38, chr1:10,321,765, plus strand): 5'-TCAGTTCCTTGGACACAGCATGAATTTGAGTTGGCCCAATGGGCCTTCCGGAAATGGAAG[T>A]CTCATCAGTTTACTTCATTACGGGACTTACTCTGGGGCAATGCCGTGTACCTAAAGGAGG-3'
Protein context (NP_001352880.1, residues 746-766): LAQWAFRKWK[Ser756Thr]HQFTSLRDLL